The following is an entry in ClinVar:

ClinVar aggregate classification (germline): Uncertain significance (1 of 4 stars; one submission).

Conditions:
Catecholaminergic polymorphic ventricular tachycardia 1. Also called: VENTRICULAR TACHYCARDIA, STRESS-INDUCED POLYMORPHIC 1; RYR2-Related Catecholaminergic Polymorphic Ventricular Tachycardia; VENTRICULAR TACHYCARDIA, CATECHOLAMINERGIC POLYMORPHIC, 1, WITH OR WITHOUT ATRIAL DYSFUNCTION AND/OR DILATED CARDIOMYOPATHY. Identifiers: Orphanet 3286, MedGen C1631597, MONDO:0011484, OMIM 604772.

Submission:

Labcorp Genetics (formerly Invitae), Labcorp
Classification: Uncertain significance for Catecholaminergic polymorphic ventricular tachycardia 1. Last evaluated: 2025-06-30. Review status: criteria provided, single submitter. Criteria: Invitae Variant Classification Sherloc (09022015). Collection method: clinical testing. Allele origin: germline.
Comment: This sequence change replaces histidine, which is basic and polar, with tyrosine, which is neutral and polar, at codon 202 of the RYR2 protein (p.His202Tyr). This variant is not present in population databases (gnomAD no frequency). This variant has not been reported in the literature in individuals affected with RYR2-related conditions. Invitae Evidence Modeling of protein sequence and biophysical properties (such as structural, functional, and spatial information, amino acid conservation, physicochemical variation, residue mobility, and thermodynamic stability) indicates that this missense variant is not expected to disrupt RYR2 protein function with a negative predictive value of 95%. In summary, the available evidence is currently insufficient to determine the role of this variant in disease. Therefore, it has been classified as a Variant of Uncertain Significance.

NM_001035.3(RYR2):c.604C>T (p.His202Tyr)

Gene: RYR2 (ryanodine receptor 2; plus strand). Cytogenetic location: 1q43.
Variant type: single nucleotide variant.
Coding change: c.604C>T on transcript NM_001035.3 (MANE Select); coding-DNA position 604, C replaced by T.
Protein change: p.His202Tyr; replaces histidine 202 with tyrosine.
Molecular consequence: missense variant.
Genome position (GRCh38, 1-based): chr1:237,387,308, C>T. VCF-style: chr1-237387308-C-T. GRCh37 (hg19) VCF-style: chr1-237550608-C-T.
Other names: short protein forms H202Y.
Identifiers: ClinVar variation 4800048 (VCV004800048.1).